The following is an entry in ClinVar:

NM_024915.4(GRHL2):c.1499C>T (p.Thr500Met)

Gene: GRHL2 (grainyhead like transcription factor 2; plus strand). Cytogenetic location: 8q22.3.
Variant type: single nucleotide variant.
Coding change: c.1499C>T on transcript NM_024915.4 (MANE Select); coding-DNA position 1499, C replaced by T.
Protein change: p.Thr500Met; replaces threonine 500 with methionine.
Molecular consequence: missense variant.
Genome position (GRCh38, 1-based): chr8:101,636,910, C>T. VCF-style: chr8-101636910-C-T. GRCh37 (hg19) VCF-style: chr8-102649138-C-T.
Other names: c.1451C>T, p.Thr484Met (NM_001330593.2, NM_001440448.1); c.1499C>T, p.Thr500Met (NM_001440447.1); short protein forms T500M, T484M.
Identifiers: ClinVar variation 4978874 (VCV004978874.1).

ClinVar aggregate classification (germline): Uncertain significance (1 of 4 stars; one submission).

Conditions:
GRHL2-related disorder. Also called: GRHL2-related disorders; GRHL2-related condition.

gnomAD v4.1: 24 of 1,613,558 alleles (0.0015%); highest among the groups gnomAD compares: Middle Eastern, 0.016%; no homozygotes.

Submission:

PreventionGenetics, part of Exact Sciences
Classification: Uncertain significance for GRHL2-related condition. Last evaluated: 2026-08-11. Review status: criteria provided, single submitter. Criteria: ACMG Guidelines, 2015. Collection method: clinical testing. Allele origin: germline.
Comment: The GRHL2 c.1499C>T variant is predicted to result in the amino acid substitution p.Thr500Met. To our knowledge, this variant has not been reported in the literature. This variant is reported in 0.018% of alleles in individuals of African descent in gnomAD. At this time, the clinical significance of this variant is uncertain due to the absence of conclusive functional and genetic evidence.